The following is an entry in ClinVar:

NM_018489.3(ASH1L):c.8500C>T (p.Arg2834Ter)

Gene: ASH1L (ASH1 like histone lysine methyltransferase; minus strand). Cytogenetic location: 1q22.
Variant type: single nucleotide variant.
Coding change: c.8500C>T on transcript NM_018489.3 (MANE Select); coding-DNA position 8500, C replaced by T.
Protein change: p.Arg2834Ter; replaces arginine 2834 with a stop codon.
Molecular consequence: nonsense.
Genome position (GRCh38, 1-based): chr1:155,339,329, G>A on the plus strand (C>T on the coding strand, the complement: ASH1L is on the minus strand). VCF-style: chr1-155339329-G-A. GRCh37 (hg19) VCF-style: chr1-155309120-G-A.
Other names: c.8515C>T, p.Arg2839Ter (NM_001366177.2); short protein forms R2834*, R2839*.
Identifiers: ClinVar variation 3436077 (VCV003436077.3).
Genomic context (GRCh38, chr1:155,339,329, plus strand): 5'-GATCCATTCAAGCTCTTAGTCAATCCCTTAGGATCCTCATATCCCCCCATGGGACTTACC[G>A]TCCTCCATTCCTCTTGTAGTTGTCTGGGACGTAATGAGGCTGCAGAGAAGAAAAGGAAGA-3'

ClinVar aggregate classification (germline): Pathogenic. Review status: criteria provided, multiple submitters, no conflicts (2 of 4 stars). 2 submissions from 2 submitters: Pathogenic (2). Last evaluated 2026-03-31.

Conditions:
Inborn genetic diseases. Identifiers: MedGen C0950123, MeSH D030342.

Submissions (2):

GeneDx
Classification: Pathogenic. Last evaluated: 2026-03-31. Review status: criteria provided, single submitter. Criteria: GeneDx Variant Classification Process June 2021. Collection method: clinical testing. Allele origin: germline.
Comment: Nonsense variant predicted to result in protein truncation or nonsense mediated decay in a gene for which loss of function is a known mechanism of disease; Not observed at significant frequency in large population cohorts (gnomAD); Has not been previously published as pathogenic or benign to our knowledge

Ambry Genetics
Classification: Pathogenic for Inborn genetic diseases. Last evaluated: 2024-11-08. Review status: criteria provided, single submitter. Criteria: Ambry Variant Classification Scheme 2023. Collection method: clinical testing. Allele origin: germline.
Comment: The c.8500C>T (p.R2834*) alteration, located in exon 26 (coding exon 25) of the ASH1L gene, consists of a C to T substitution at nucleotide position 8500. This changes the amino acid from an arginine (R) to a stop codon at amino acid position 2834. This alteration is expected to result in loss of function by premature protein truncation or nonsense-mediated mRNA decay. This variant was not reported in population-based cohorts in the Genome Aggregation Database (gnomAD). Based on the available evidence, this alteration is classified as pathogenic.